The following is an entry in ClinVar:

NM_017780.4(CHD7):c.5816G>A (p.Arg1939Gln)

Gene: CHD7 (chromodomain helicase DNA binding protein 7; plus strand). Cytogenetic location: 8q12.2.
Variant type: single nucleotide variant.
Coding change: c.5816G>A on transcript NM_017780.4 (MANE Select); coding-DNA position 5816, G replaced by A.
Protein change: p.Arg1939Gln; replaces arginine 1939 with glutamine.
Molecular consequence: missense variant. On other transcripts: intron variant (1).
Genome position (GRCh38, 1-based): chr8:60,852,169, G>A. VCF-style: chr8-60852169-G-A. GRCh37 (hg19) VCF-style: chr8-61764728-G-A.
Other names: c.1717-10060G>A (NM_001316690.1); short protein forms R1939Q.
Identifiers: ClinVar variation 804694 (VCV000804694.5), dbSNP rs1024797402, ClinGen allele CA177353811.

ClinVar aggregate classification (germline): Conflicting classifications of pathogenicity. Review status: criteria provided, conflicting classifications (1 of 4 stars). 3 submissions from 3 submitters: Uncertain significance (2); Benign (1). Last evaluated 2024-02-19.

Conditions:
CHARGE syndrome (CHARGE). Also called: Hittner Hirsch Kreh syndrome; CHARGE ASSOCIATION--COLOBOMA, HEART ANOMALY, CHOANAL ATRESIA, RETARDATION, GENITAL AND EAR ANOMALIES; Coloboma, heart anomaly, choanal atresia, retardation, genital and ear anomalies; CHARGE association; Hall-Hittner syndrome. Identifiers: Orphanet 138, MedGen C0265354, MONDO:0008965.

Allele frequency attached by ClinVar (database versions not stated): gnomAD 0.00001.
gnomAD v4.1: 3 of 1,613,722 alleles (0.00019%); highest among the groups gnomAD compares: African/African-American, 0.0027%; no homozygotes.

Submissions (3):

Labcorp Genetics (formerly Invitae), Labcorp
Classification: Benign for CHARGE syndrome. Last evaluated: 2024-02-19. Review status: criteria provided, single submitter. Criteria: Invitae Variant Classification Sherloc (09022015). Collection method: clinical testing. Allele origin: germline.

GeneDx
Classification: Uncertain significance. Last evaluated: 2019-04-23. Review status: criteria provided, single submitter. Criteria: GeneDx Variant Classification Process June 2021. Collection method: clinical testing. Allele origin: germline. Affected: yes.
Comment: In silico analysis, which includes protein predictors and evolutionary conservation, supports that this variant does not alter protein structure/function; Has not been previously published as pathogenic or benign to our knowledge

Athena Diagnostics
Classification: Uncertain significance. Last evaluated: 2018-09-18. Review status: criteria provided, single submitter. Criteria: Athena Diagnostics Criteria. Collection method: clinical testing. Allele origin: germline.